The following is an entry in ClinVar:

NM_033163.5(FGF8):c.98G>T (p.Gly33Val)

Gene: FGF8 (fibroblast growth factor 8; minus strand). Cytogenetic location: 10q24.32.
Variant type: single nucleotide variant.
Coding change: c.98G>T on transcript NM_033163.5 (MANE Select); coding-DNA position 98, G replaced by T.
Protein change: p.Gly33Val; replaces glycine 33 with valine.
Molecular consequence: missense variant. On other transcripts: intron variant (3).
Genome position (GRCh38, 1-based): chr10:101,775,188, C>A on the plus strand (G>T on the coding strand, the complement: FGF8 is on the minus strand). VCF-style: chr10-101775188-C-A. GRCh37 (hg19) VCF-style: chr10-103534945-C-A.
Other names: c.98G>T, p.Gly33Val (NM_033164.4); c.-123-309G>T (NM_001206389.2); c.70-309G>T (NM_033165.5); c.70-276G>T (NM_006119.6); short protein forms G33V.
Identifiers: ClinVar variation 1913175 (VCV001913175.5), dbSNP rs771618872, ClinGen allele CA5657685.

ClinVar aggregate classification (germline): Uncertain significance (1 of 4 stars; one submission).

Allele frequency attached by ClinVar (database versions not stated): gnomAD exomes 0.00006; ExAC 0.00007; TOPMed 0.00008; gnomAD 0.00009.
gnomAD v4.1: 92 of 1,547,998 alleles (0.0059%); highest among the groups gnomAD compares: Non-Finnish European, 0.0072%; no homozygotes.

Submission:

Labcorp Genetics (formerly Invitae), Labcorp
Classification: Uncertain significance. Last evaluated: 2025-01-09. Review status: criteria provided, single submitter. Criteria: Invitae Variant Classification Sherloc (09022015). Collection method: clinical testing. Allele origin: germline.
Comment: This sequence change replaces glycine, which is neutral and non-polar, with valine, which is neutral and non-polar, at codon 33 of the FGF8 protein (p.Gly33Val). This variant is present in population databases (rs771618872, gnomAD 0.007%). This variant has not been reported in the literature in individuals affected with FGF8-related conditions. ClinVar contains an entry for this variant (Variation ID: 1913175). An algorithm developed to predict the effect of missense changes on protein structure and function (PolyPhen-2) suggests that this variant is likely to be tolerated. In summary, the available evidence is currently insufficient to determine the role of this variant in disease. Therefore, it has been classified as a Variant of Uncertain Significance.